The following is an entry in ClinVar:

NM_022455.5(NSD1):c.6620C>T (p.Pro2207Leu)

Gene: NSD1 (nuclear receptor binding SET domain protein 1; plus strand). Cytogenetic location: 5q35.3.
Variant type: single nucleotide variant.
Coding change: c.6620C>T on transcript NM_022455.5 (MANE Select); coding-DNA position 6620, C replaced by T.
Protein change: p.Pro2207Leu; replaces proline 2207 with leucine.
Molecular consequence: missense variant.
Genome position (GRCh38, 1-based): chr5:177,293,988, C>T. VCF-style: chr5-177293988-C-T. GRCh37 (hg19) VCF-style: chr5-176720989-C-T.
Other names: c.5867C>T, p.Pro1956Leu (NM_001409305.1); c.5858C>T, p.Pro1953Leu (NM_001409306.1, NM_001409307.1); c.6200C>T, p.Pro2067Leu (NM_001409304.1); c.5747C>T, p.Pro1916Leu (NM_001409308.1, NM_001365684.2, NM_172349.5); c.5498C>T, p.Pro1833Leu (NM_001409309.1); c.6620C>T, p.Pro2207Leu (NM_001409301.1, NM_001409302.1, NM_001409303.1); short protein forms P1833L, P1916L, P2067L, P1938L, P2207L, P1953L, P1956L.
Identifiers: ClinVar variation 2010667 (VCV002010667.4), dbSNP rs2127279552, ClinGen allele CA362324407.

ClinVar aggregate classification (germline): Uncertain significance (1 of 4 stars; one submission).

Submission:

Labcorp Genetics (formerly Invitae), Labcorp
Classification: Uncertain significance. Last evaluated: 2025-09-15. Review status: criteria provided, single submitter. Criteria: Invitae Variant Classification Sherloc (09022015). Collection method: clinical testing. Allele origin: germline.
Comment: This sequence change replaces proline, which is neutral and non-polar, with leucine, which is neutral and non-polar, at codon 2207 of the NSD1 protein (p.Pro2207Leu). This variant is not present in population databases (gnomAD no frequency). This variant has not been reported in the literature in individuals affected with NSD1-related conditions. ClinVar contains an entry for this variant (Variation ID: 2010667). Invitae Evidence Modeling of protein sequence and biophysical properties (such as structural, functional, and spatial information, amino acid conservation, physicochemical variation, residue mobility, and thermodynamic stability) indicates that this missense variant is expected to disrupt NSD1 protein function with a positive predictive value of 95%. In summary, the available evidence is currently insufficient to determine the role of this variant in disease. Therefore, it has been classified as a Variant of Uncertain Significance.